The following is an entry in ClinVar:

NM_000548.5(TSC2):c.4854C>G (p.Val1618=)

Gene: TSC2 (TSC complex subunit 2; plus strand). Cytogenetic location: 16p13.3.
Variant type: single nucleotide variant.
Coding change: c.4854C>G on transcript NM_000548.5 (MANE Select); coding-DNA position 4854, C replaced by G.
Protein change: p.Val1618=; no amino-acid change (valine 1618 retained).
Molecular consequence: synonymous variant.
Genome position (GRCh38, 1-based): chr16:2,086,736, C>G. VCF-style: chr16-2086736-C-G. GRCh37 (hg19) VCF-style: chr16-2136737-C-G.
Other names: c.4653C>G, p.Val1551= (NM_001077183.3); c.4785C>G, p.Val1595= (NM_001114382.3); c.4545C>G, p.Val1515= (NM_001318827.2); c.4509C>G, p.Val1503= (NM_001318829.2); c.4122C>G, p.Val1374= (NM_001318831.2); c.4686C>G, p.Val1562= (NM_001318832.2); c.4656C>G, p.Val1552= (NM_001363528.2); c.4722C>G, p.Val1574= (NM_001370404.1); and 1 more.
Identifiers: ClinVar variation 468117 (VCV000468117.13), dbSNP rs45517378, ClinGen allele CA492959677.

ClinVar aggregate classification (germline): Benign/Likely benign. Review status: criteria provided, multiple submitters, no conflicts (2 of 4 stars). 4 submissions from 4 submitters: Benign (1); Likely benign (3). Last evaluated 2025-06-05.

Conditions:
Hereditary cancer-predisposing syndrome. Also called: Hereditary neoplastic syndrome; Neoplastic Syndromes, Hereditary; Tumor predisposition; Hereditary Cancer Syndrome. Identifiers: Orphanet 140162, MedGen C0027672, MeSH D009386, MONDO:0015356.
Tuberous sclerosis 2 (TSC2). Identifiers: Orphanet 805, MedGen C1860707, MONDO:0013199, OMIM 613254.
Tuberous sclerosis syndrome (TSC). Also called: Tuberous Sclerosis Complex; Tuberous sclerosis. Identifiers: Orphanet 805, MedGen C0041341, MONDO:0001734.

Allele frequency attached by ClinVar (database versions not stated): TOPMed 0.00001.
gnomAD v4.1: 1 of 1,610,352 alleles (0.000062%); highest among the groups gnomAD compares: Non-Finnish European, 0.000085%; no homozygotes.

Submissions (4):

Myriad Genetics, Inc.
Classification: Benign for Tuberous sclerosis 2. Last evaluated: 2025-06-05. Review status: criteria provided, single submitter. Criteria: Myriad Autosomal Dominant, Autosomal Recessive and X-Linked Classification Criteria (2023). Collection method: clinical testing. Allele origin: unknown.
Comment: This variant is considered benign. This variant is a silent/synonymous amino acid change and it is not expected to impact splicing.

Labcorp Genetics (formerly Invitae), Labcorp
Classification: Likely benign for Tuberous sclerosis 2. Last evaluated: 2023-07-26. Review status: criteria provided, single submitter. Criteria: Invitae Variant Classification Sherloc (09022015). Collection method: clinical testing. Allele origin: germline.

All of Us Research Program, National Institutes of Health
Classification: Likely benign for Tuberous sclerosis syndrome. Last evaluated: 2023-01-10. Review status: criteria provided, single submitter. Criteria: ACMG Guidelines, 2015. Collection method: clinical testing. Allele origin: germline. Inheritance: Autosomal dominant inheritance. Observed: 1 variant allele, 1 heterozygote.
Comment: This study involves interpretation of variants in research participants for the purpose of population health screening. Participant phenotype was not available at the time of variant classification. Additional details can be found in publication PMID: 35346344, PMCID: PMC8962531

Ambry Genetics
Classification: Likely benign for Hereditary cancer-predisposing syndrome. Last evaluated: 2022-02-10. Review status: criteria provided, single submitter. Criteria: Ambry Variant Classification Scheme 2023. Collection method: clinical testing. Allele origin: germline.